The following is an entry in ClinVar:

NM_000202.8(IDS):c.251G>A (p.Cys84Tyr)

Gene: IDS (iduronate 2-sulfatase; minus strand). Cytogenetic location: Xq28.
Variant type: single nucleotide variant.
Coding change: c.251G>A on transcript NM_000202.8 (MANE Select); coding-DNA position 251, G replaced by A.
Protein change: p.Cys84Tyr; replaces cysteine 84 with tyrosine.
Molecular consequence: missense variant. On other transcripts: non-coding transcript variant (1), intron variant (1).
Genome position (GRCh38, 1-based): chrX:149,503,479, C>T on the plus strand (G>A on the coding strand, the complement: IDS is on the minus strand). VCF-style: chrX-149503479-C-T. GRCh37 (hg19) VCF-style: chrX-148585009-C-T.
Other names: c.251G>A, p.Cys84Tyr (NM_006123.5); c.15-34G>A (NM_001166550.4); short protein forms C84Y.
Identifiers: ClinVar variation 3255630 (VCV003255630.2).

ClinVar aggregate classification (germline): Likely pathogenic (1 of 4 stars; one submission).

Conditions:
Mucopolysaccharidosis, MPS-II (MPS2). Also called: Hunter Syndrome; IDURONATE 2-SULFATASE DEFICIENCY; Mucopolysaccharidosis Type II; Mucopolysaccharidosis type 2; Attenuated MPS (subtype; formerly known as mild MPS II); Severe MPS II. Identifiers: Orphanet 580, Orphanet 79388, MedGen C0026705, MONDO:0010674, OMIM 309900.

Submission:

Laboratory of Diagnosis and Therapy of Lysosomal Disorders, University of Padova
Classification: Likely pathogenic for Mucopolysaccharidosis, MPS-II. Last evaluated: 2024-06-07. Review status: criteria provided, single submitter. Criteria: ACMG Guidelines, 2015. Collection method: literature only. Allele origin: germline. Affected: yes. Observed: 1 variant allele.
Comment: Located in a mutational hot spot and/or critical functional domain (PM1_Moderate), Absent from controls (or at low frequency) in gnomAD database (PM2_Moderate), Missense change at the same amino acid residue as a pathogenic variant (PM5_Moderate), Missense variant in a gene with a low rate of benign missense variation (PP2_Supporting), Multiple lines of computational evidence support a deleterious effect (PP3_Supporting), Patient’s phenotype or family history highly specific for the disease (PP4_Moderate)

Classification method: ACMG Guidelines [PMID:25741868] with modifications

Literature cited by the submitters: PubMed 24125893.